The following is an entry in ClinVar:

NM_000051.4(ATM):c.8119T>G (p.Ser2707Ala)

Genes: ATM (ATM serine/threonine kinase; plus strand), C11orf65 (chromosome 11 open reading frame 65; minus strand). Cytogenetic location: 11q22.3.
Variant type: single nucleotide variant.
Coding change: c.8119T>G on transcript NM_000051.4 (MANE Select); coding-DNA position 8119, T replaced by G.
Protein change: p.Ser2707Ala; replaces serine 2707 with alanine.
Molecular consequence: missense variant. On other transcripts: intron variant (2).
Genome position (GRCh38, 1-based): chr11:108,335,077, T>G. VCF-style: chr11-108335077-T-G. GRCh37 (hg19) VCF-style: chr11-108205804-T-G.
Other names: c.8119T>G, p.Ser2707Ala (NM_001351834.2); c.641-26006A>C (NM_001330368.2); c.*38+143A>C (NM_001351110.2); short protein forms S2707A.
Identifiers: ClinVar variation 3720483 (VCV003720483.2).

ClinVar aggregate classification (germline): Uncertain significance (1 of 4 stars; one submission).

Conditions:
Ataxia-telangiectasia syndrome (AT). Also called: Ataxia-telangiectasia, complementation group D; AT, COMPLEMENTATION GROUP C; ATAXIA-TELANGIECTASIA, COMPLEMENTATION GROUP A; ATAXIA-TELANGIECTASIA, FRESNO VARIANT; Ataxia-telangiectasia; Ataxia-telangiectasia, complementation group E. Identifiers: Orphanet 100, MedGen C0004135, MONDO:0008840, OMIM 208900.

Submission:

Labcorp Genetics (formerly Invitae), Labcorp
Classification: Uncertain significance for Ataxia-telangiectasia syndrome. Last evaluated: 2025-01-08. Review status: criteria provided, single submitter. Criteria: Invitae Variant Classification Sherloc (09022015). Collection method: clinical testing. Allele origin: germline.
Comment: This sequence change replaces serine, which is neutral and polar, with alanine, which is neutral and non-polar, at codon 2707 of the ATM protein (p.Ser2707Ala). This variant is not present in population databases (gnomAD no frequency). This variant has not been reported in the literature in individuals affected with ATM-related conditions. Invitae Evidence Modeling of protein sequence and biophysical properties (such as structural, functional, and spatial information, amino acid conservation, physicochemical variation, residue mobility, and thermodynamic stability) indicates that this missense variant is expected to disrupt ATM protein function with a positive predictive value of 95%. In summary, the available evidence is currently insufficient to determine the role of this variant in disease. Therefore, it has been classified as a Variant of Uncertain Significance.